The following is an entry in ClinVar:

NM_000079.4(CHRNA1):c.746C>G (p.Thr249Ser)

Gene: CHRNA1 (cholinergic receptor nicotinic alpha 1 subunit; minus strand). Cytogenetic location: 2q31.1.
Variant type: single nucleotide variant.
Coding change: c.746C>G on transcript NM_000079.4 (MANE Select); coding-DNA position 746, C replaced by G.
Protein change: p.Thr249Ser; replaces threonine 249 with serine.
Molecular consequence: missense variant.
Genome position (GRCh38, 1-based): chr2:174,753,535, G>C on the plus strand (C>G on the coding strand, the complement: CHRNA1 is on the minus strand). VCF-style: chr2-174753535-G-C. GRCh37 (hg19) VCF-style: chr2-175618263-G-C.
Other names: c.821C>G, p.Thr274Ser (NM_001039523.3); short protein forms T274S, T249S.
Identifiers: ClinVar variation 835512 (VCV000835512.9), dbSNP rs770040016, ClinGen allele CA1974482.

ClinVar aggregate classification (germline): Uncertain significance (1 of 4 stars; one submission).

Conditions:
Lethal multiple pterygium syndrome (LMPS). Identifiers: Orphanet 33108, MedGen C1854678, MONDO:0009668, OMIM 253290.

Allele frequency attached by ClinVar (database versions not stated): gnomAD exomes below 0.00001; ExAC 0.00001.

Submission:

Labcorp Genetics (formerly Invitae), Labcorp
Classification: Uncertain significance for Lethal multiple pterygium syndrome. Last evaluated: 2022-08-16. Review status: criteria provided, single submitter. Criteria: Invitae Variant Classification Sherloc (09022015). Collection method: clinical testing. Allele origin: germline.
Comment: Algorithms developed to predict the effect of sequence changes on RNA splicing suggest that this variant may create or strengthen a splice site. This sequence change replaces threonine, which is neutral and polar, with serine, which is neutral and polar, at codon 249 of the CHRNA1 protein (p.Thr249Ser). This variant is present in population databases (rs770040016, gnomAD 0.003%). This variant has not been reported in the literature in individuals affected with CHRNA1-related conditions. ClinVar contains an entry for this variant (Variation ID: 835512). Advanced modeling of protein sequence and biophysical properties (such as structural, functional, and spatial information, amino acid conservation, physicochemical variation, residue mobility, and thermodynamic stability) performed at Invitae indicates that this missense variant is not expected to disrupt CHRNA1 protein function. In summary, the available evidence is currently insufficient to determine the role of this variant in disease. Therefore, it has been classified as a Variant of Uncertain Significance.